The following is an entry in ClinVar:

ClinVar aggregate classification (germline): Uncertain significance (1 of 4 stars; one submission).

Submission:

GeneDx
Classification: Uncertain significance. Last evaluated: 2022-07-28. Review status: criteria provided, single submitter. Criteria: GeneDx Variant Classification Process June 2021. Collection method: clinical testing. Allele origin: germline. Affected: yes.
Comment: Has not been previously published as pathogenic or benign to our knowledge; Not observed at significant frequency in large population cohorts (gnomAD); In silico analysis supports that this missense variant has a deleterious effect on protein structure/function

NM_004387.4(NKX2-5):c.686C>T (p.Pro229Leu)

Gene: NKX2-5 (NK2 homeobox 5; minus strand). Cytogenetic location: 5q35.1.
Variant type: single nucleotide variant.
Coding change: c.686C>T on transcript NM_004387.4 (MANE Select); coding-DNA position 686, C replaced by T.
Protein change: p.Pro229Leu; replaces proline 229 with leucine.
Molecular consequence: missense variant. On other transcripts: 3 prime UTR variant (2).
Genome position (GRCh38, 1-based): chr5:173,232,858, G>A on the plus strand (C>T on the coding strand, the complement: NKX2-5 is on the minus strand). VCF-style: chr5-173232858-G-A. GRCh37 (hg19) VCF-style: chr5-172659861-G-A.
Other names: c.*639C>T (NM_001166175.2); c.*485C>T (NM_001166176.2); short protein forms P229L.
Identifiers: ClinVar variation 2412996 (VCV002412996.3), dbSNP rs2480072239, ClinGen allele CA362161362.